The following is an entry in ClinVar:

ClinVar aggregate classification (germline): Pathogenic (1 of 4 stars; one submission).

Conditions:
Hereditary cancer-predisposing syndrome. Also called: Neoplastic Syndromes, Hereditary; Tumor predisposition; Hereditary Cancer Syndrome; Hereditary neoplastic syndrome. Identifiers: Orphanet 140162, MedGen C0027672, MeSH D009386, MONDO:0015356.

Submission:

Ambry Genetics
Classification: Pathogenic for Hereditary cancer-predisposing syndrome. Last evaluated: 2026-04-24. Review status: criteria provided, single submitter. Criteria: Ambry Variant Classification Scheme 2023. Collection method: clinical testing. Allele origin: germline.
Comment: The c.2091delCinsACTCATGAG pathogenic mutation, located in coding exon 20 of the RB1 gene, results from the deletion of one nucleotide and insertion of 9 nucleotides causing a translational frameshift with a predicted alternate stop codon (p.D697Efs*11). This variant was reported in individual(s) with features consistent with retinoblastoma (Ambry internal data). This variant is considered to be rare based on population cohorts in the Genome Aggregation Database (gnomAD). This alteration is expected to result in loss of function by premature protein truncation or nonsense-mediated mRNA decay. As such, this alteration is interpreted as a disease-causing mutation.

NM_000321.3(RB1):c.2091delinsACTCATGAG (p.Asp697fs)

Gene: RB1 (RB transcriptional corepressor 1; plus strand). Cytogenetic location: 13q14.2.
Variant type: Indel.
Coding change: c.2091delinsACTCATGAG on transcript NM_000321.3 (MANE Select); coding-DNA position 2091, C replaced by ACTCATGAG.
Protein change: p.Asp697fs; shifts the reading frame from aspartic acid 697.
Molecular consequence: frameshift variant.
Genome position (GRCh38, 1-based): chr13:48,459,818, C replaced by ACTCATGAG. VCF-style: chr13-48459818-C-ACTCATGAG. GRCh37 (hg19) VCF-style: chr13-49033954-C-ACTCATGAG.
Other names: c.2091delinsACTCATGAG, p.Asp697fs (NM_001407165.1); short protein forms D697fs.
Identifiers: ClinVar variation 4863020 (VCV004863020.1).